The following is an entry in ClinVar:

NM_000481.4(AMT):c.821G>A (p.Gly274Glu)

Gene: AMT (aminomethyltransferase; minus strand). Cytogenetic location: 3p21.31.
Variant type: single nucleotide variant.
Coding change: c.821G>A on transcript NM_000481.4 (MANE Select); coding-DNA position 821, G replaced by A.
Protein change: p.Gly274Glu; replaces glycine 274 with glutamic acid.
Molecular consequence: missense variant. On other transcripts: non-coding transcript variant (1).
Genome position (GRCh38, 1-based): chr3:49,419,027, C>T on the plus strand (G>A on the coding strand, the complement: AMT is on the minus strand). VCF-style: chr3-49419027-C-T. GRCh37 (hg19) VCF-style: chr3-49456460-C-T.
Other names: c.689G>A, p.Gly230Glu (NM_001164710.2); c.653G>A, p.Gly218Glu (NM_001164711.2); c.821G>A, p.Gly274Glu (NM_001164712.2); short protein forms G230E, G218E, G274E.
Identifiers: ClinVar variation 2216855 (VCV002216855.2), dbSNP rs753730286, ClinGen allele CA2398232.

ClinVar aggregate classification (germline): Uncertain significance (1 of 4 stars; one submission).

Conditions:
Inborn genetic diseases. Identifiers: MedGen C0950123, MeSH D030342.

Allele frequency attached by ClinVar (database versions not stated): gnomAD exomes below 0.00001; ExAC 0.00001.
gnomAD v4.1: 7 of 1,614,076 alleles (0.00043%); highest among the groups gnomAD compares: Non-Finnish European, 0.00059%; no homozygotes.

Submission:

Ambry Genetics
Classification: Uncertain significance for Inborn genetic diseases. Last evaluated: 2021-02-23. Review status: criteria provided, single submitter. Criteria: Ambry Variant Classification Scheme 2023. Collection method: clinical testing. Allele origin: germline.
Comment: The c.821G>A (p.G274E) alteration is located in exon 7 (coding exon 7) of the AMT gene. This alteration results from a G to A substitution at nucleotide position 821, causing the glycine (G) at amino acid position 274 to be replaced by a glutamic acid (E). The p.G274E alteration is predicted to be deleterious by in silico analysis. Based on insufficient or conflicting evidence, the clinical significance of this alteration remains unclear.